The following is an entry in ClinVar:

ClinVar aggregate classification (germline): Uncertain significance. Review status: criteria provided, multiple submitters, no conflicts (2 of 4 stars). 2 submissions from 2 submitters: Uncertain significance (2). Last evaluated 2025-06-03.

Conditions:
Inborn genetic diseases. Identifiers: MedGen C0950123, MeSH D030342.
PCSK1-related disorder. Also called: PCSK1-related condition.

Allele frequency attached by ClinVar (database versions not stated): gnomAD 0.00001; TOPMed below 0.00001; ExAC 0.00003.
gnomAD v4.1: 7 of 1,613,084 alleles (0.00043%); highest among the groups gnomAD compares: South Asian, 0.0055%; no homozygotes.

Submissions (2):

Ambry Genetics
Classification: Uncertain significance for Inborn genetic diseases. Last evaluated: 2025-06-03. Review status: criteria provided, single submitter. Criteria: Ambry Variant Classification Scheme 2023. Collection method: clinical testing. Allele origin: germline.

PreventionGenetics, part of Exact Sciences
Classification: Uncertain significance for PCSK1-related condition. Last evaluated: 2022-11-21. Review status: criteria provided, single submitter. Criteria: ACMG Guidelines, 2015. Collection method: clinical testing. Allele origin: germline.
Comment: The PCSK1 c.1102G>A variant is predicted to result in the amino acid substitution p.Ala368Thr. To our knowledge, this variant has not been reported in the literature. This variant is reported in 0.0065% of alleles in individuals of South Asian descent in gnomAD. At this time, the clinical significance of this variant is uncertain due to the absence of conclusive functional and genetic evidence.

NM_000439.5(PCSK1):c.1102G>A (p.Ala368Thr)

Genes: CAST (calpastatin; plus strand), PCSK1 (proprotein convertase subtilisin/kexin type 1; minus strand), LOC101929710 (uncharacterized LOC101929710; plus strand). Cytogenetic location: 5q15.
Variant type: single nucleotide variant.
Coding change: c.1102G>A on transcript NM_000439.5 (MANE Select); coding-DNA position 1102, G replaced by A.
Protein change: p.Ala368Thr; replaces alanine 368 with threonine.
Molecular consequence: missense variant. On other transcripts: intron variant (11).
Genome position (GRCh38, 1-based): chr5:96,408,317, C>T on the plus strand (G>A on the coding strand, the complement: PCSK1 is on the minus strand). VCF-style: chr5-96408317-C-T. GRCh37 (hg19) VCF-style: chr5-95744021-C-T.
Other names: c.961G>A, p.Ala321Thr (NM_001177875.2); c.-175+28665C>T (NM_001423254.1, NM_001423259.1, NM_001423255.1 and 6 more transcripts); c.-103+28665C>T (NM_001423253.1); c.-40+28665C>T (NM_001423258.1); short protein forms A321T, A368T.
Identifiers: ClinVar variation 2628556 (VCV002628556.2), dbSNP rs765646029, ClinGen allele CA3350293.